The following is an entry in ClinVar:

NM_017780.4(CHD7):c.2726_2728dup (p.Cys909dup)

Gene: CHD7 (chromodomain helicase DNA binding protein 7; plus strand). Cytogenetic location: 8q12.2.
Variant type: Duplication.
Coding change: c.2726_2728dup on transcript NM_017780.4 (MANE Select); coding-DNA positions 2726 to 2728, 3 bases duplicated (GTT; older notation c.2726_2728dupGTT).
Protein change: p.Cys909dup; duplicates cysteine 909.
Molecular consequence: inframe insertion. On other transcripts: intron variant (1).
Genome position (GRCh38, 1-based): chr8:60,821,818-60,821,820, GTT duplicated; duplicating any 3 consecutive bases within chr8:60,821,817-60,821,820 gives the same sequence; the c. name uses the placement nearest the transcript's 3' end. VCF-style (leftmost placement, unchanged base first): chr8-60821816-G-GTGT. GRCh37 (hg19) VCF-style: chr8-61734375-G-GTGT.
Other names: c.1717-40411_1717-40409dup (NM_001316690.1).
Identifiers: ClinVar variation 1315262 (VCV001315262.2), dbSNP rs1554597381, ClinGen allele CA2573053038.
Genomic context (GRCh38, chr8:60,821,816, plus strand): 5'-GAATCCAATTCTGATTTATTTAAATCTGGTCCAGCCTGTGACTCACTATCTGGTGAAGTG[G>GTGT]TGTTCACTTCCTTATGAAGACAGCACGTGGGAGCGGAGGCAGGACATAGATCAAGCAAAG-3'

ClinVar aggregate classification (germline): Uncertain significance (1 of 4 stars; one submission).

Submission:

GeneDx
Classification: Uncertain significance. Last evaluated: 2020-02-11. Review status: criteria provided, single submitter. Criteria: GeneDx Variant Classification Process June 2021. Collection method: clinical testing. Allele origin: germline. Affected: yes.
Comment: Not observed in large population cohorts (Lek et al., 2016); In-frame insertion of 1 amino acids in a non-repeat region; Has not been previously published as pathogenic or benign to our knowledge